The following is an entry in ClinVar:

NM_001330700.2(TOP2B):c.4606A>C (p.Thr1536Pro)

Gene: TOP2B (DNA topoisomerase II beta; minus strand). Cytogenetic location: 3p24.2.
Variant type: single nucleotide variant.
Coding change: c.4606A>C on transcript NM_001330700.2 (MANE Select); coding-DNA position 4606, A replaced by C.
Protein change: p.Thr1536Pro; replaces threonine 1536 with proline.
Molecular consequence: missense variant.
Genome position (GRCh38, 1-based): chr3:25,601,109, T>G on the plus strand (A>C on the coding strand, the complement: TOP2B is on the minus strand). VCF-style: chr3-25601109-T-G. GRCh37 (hg19) VCF-style: chr3-25642600-T-G.
Other names: c.4591A>C, p.Thr1531Pro (NM_001068.3); short protein forms T1531P, T1536P.
Identifiers: ClinVar variation 2847998 (VCV002847998.3), dbSNP rs773221985, ClinGen allele CA351890801.

ClinVar aggregate classification (germline): Uncertain significance (1 of 4 stars; one submission).

Allele frequency attached by ClinVar (database versions not stated): gnomAD 0.00001; TOPMed 0.00001.
gnomAD v4.1: 10 of 1,613,548 alleles (0.00062%); highest among the groups gnomAD compares: East Asian, 0.0045%; no homozygotes.

Submission:

Labcorp Genetics (formerly Invitae), Labcorp
Classification: Uncertain significance. Last evaluated: 2023-08-16. Review status: criteria provided, single submitter. Criteria: Invitae Variant Classification Sherloc (09022015). Collection method: clinical testing. Allele origin: germline.
Comment: In summary, the available evidence is currently insufficient to determine the role of this variant in disease. Therefore, it has been classified as a Variant of Uncertain Significance. This sequence change replaces threonine, which is neutral and polar, with proline, which is neutral and non-polar, at codon 1531 of the TOP2B protein (p.Thr1531Pro). This variant is present in population databases (no rsID available, gnomAD 0.0009%). This variant has not been reported in the literature in individuals affected with TOP2B-related conditions. Algorithms developed to predict the effect of missense changes on protein structure and function output the following: SIFT: "Not Available"; PolyPhen-2: "Benign"; Align-GVGD: "Not Available". The proline amino acid residue is found in multiple mammalian species, which suggests that this missense change does not adversely affect protein function.